The following is an entry in ClinVar:

NM_015378.4(VPS13D):c.11569A>G (p.Ile3857Val)

Gene: VPS13D (vacuolar protein sorting 13 homolog D; plus strand). Cytogenetic location: 1p36.22.
Variant type: single nucleotide variant.
Coding change: c.11569A>G on transcript NM_015378.4 (MANE Select); coding-DNA position 11569, A replaced by G.
Protein change: p.Ile3857Val; replaces isoleucine 3857 with valine.
Molecular consequence: missense variant.
Genome position (GRCh38, 1-based): chr1:12,386,269, A>G. VCF-style: chr1-12386269-A-G. GRCh37 (hg19) VCF-style: chr1-12446328-A-G.
Other names: p.Ile3857Val; c.11494A>G, p.Ile3832Val (NM_018156.4); short protein forms I3857V, I3832V.
Identifiers: ClinVar variation 4540757 (VCV004540757.1).

ClinVar aggregate classification (germline): Uncertain significance (1 of 4 stars; one submission).

Submission:

Mayo Clinic Laboratories, Mayo Clinic
Classification: Uncertain significance. Last evaluated: 2025-04-15. Review status: criteria provided, single submitter. Criteria: ACMG Guidelines, 2015. Collection method: clinical testing. Allele origin: germline. Observed: 1 variant allele.
Comment: BP4, PM2_supporting